The following is an entry in ClinVar:

NM_006904.7(PRKDC):c.11581G>A (p.Gly3861Ser)

Gene: PRKDC (protein kinase, DNA-activated, catalytic subunit; minus strand). Cytogenetic location: 8q11.21.
Variant type: single nucleotide variant.
Coding change: c.11581G>A on transcript NM_006904.7 (MANE Select); coding-DNA position 11581, G replaced by A.
Protein change: p.Gly3861Ser; replaces glycine 3861 with serine.
Molecular consequence: missense variant.
Genome position (GRCh38, 1-based): chr8:47,778,798, C>T on the plus strand (G>A on the coding strand, the complement: PRKDC is on the minus strand). VCF-style: chr8-47778798-C-T. GRCh37 (hg19) VCF-style: chr8-48691359-C-T.
Other names: c.11488G>A, p.Gly3830Ser (NM_001081640.2); short protein forms G3830S, G3861S.
Identifiers: ClinVar variation 3225719 (VCV003225719.1), dbSNP rs2551859963, ClinGen allele CA371129020.

ClinVar aggregate classification (germline): Uncertain significance (1 of 4 stars; one submission).

Allele frequency attached by ClinVar (database versions not stated): gnomAD exomes below 0.00001.
gnomAD v4.1: 1 of 1,612,372 alleles (0.000062%); highest among the groups gnomAD compares: Non-Finnish European, 0.000085%; no homozygotes.

Submission:

Ambry Genetics
Classification: Uncertain significance. Last evaluated: 2023-11-09. Review status: criteria provided, single submitter. Criteria: Ambry Variant Classification Scheme 2023. Collection method: clinical testing. Allele origin: germline.
Comment: The p.G3861S variant (also known as c.11581G>A), located in coding exon 82 of the PRKDC gene, results from a G to A substitution at nucleotide position 11581. The glycine at codon 3861 is replaced by serine, an amino acid with similar properties. This amino acid position is conserved. In addition, this alteration is predicted to be tolerated by in silico analysis. Since supporting evidence is limited at this time, the clinical significance of this alteration remains unclear.